The following is an entry in ClinVar:

NM_000631.5(NCF4):c.311T>C (p.Met104Thr)

Genes: NCF4 (neutrophil cytosolic factor 4; plus strand), NCF4-AS1 (NCF4 antisense RNA 1; minus strand). Cytogenetic location: 22q12.3.
Variant type: single nucleotide variant.
Coding change: c.311T>C on transcript NM_000631.5 (MANE Select); coding-DNA position 311, T replaced by C.
Protein change: p.Met104Thr; replaces methionine 104 with threonine.
Molecular consequence: missense variant.
Genome position (GRCh38, 1-based): chr22:36,867,431, T>C. VCF-style: chr22-36867431-T-C. GRCh37 (hg19) VCF-style: chr22-37263473-T-C.
Other names: c.311T>C, p.Met104Thr (NM_013416.4); short protein forms M104T.
Identifiers: ClinVar variation 846758 (VCV000846758.10), dbSNP rs1298026448, ClinGen allele CA411381301.

ClinVar aggregate classification (germline): Uncertain significance (1 of 4 stars; one submission).

Conditions:
Granulomatous disease, chronic, autosomal recessive, cytochrome b-positive, type 3. Also called: Granulomatous disease, chronic, autosomal recessive, cytochrome b-positive, type III; GRANULOMATOUS DISEASE, CHRONIC, AUTOSOMAL RECESSIVE, 3; CGD, AUTOSOMAL RECESSIVE CYTOCHROME b-POSITIVE, TYPE III; GRANULOMATOUS DISEASE, CHRONIC, DUE TO NCF4 DEFICIENCY. Identifiers: Orphanet 379, MedGen C3151409, MONDO:0013507, OMIM 613960.

Allele frequency attached by ClinVar (database versions not stated): gnomAD exomes below 0.00001.

Submission:

Labcorp Genetics (formerly Invitae), Labcorp
Classification: Uncertain significance for Granulomatous disease, chronic, autosomal recessive, cytochrome b-positive, type 3. Last evaluated: 2021-03-06. Review status: criteria provided, single submitter. Criteria: Invitae Variant Classification Sherloc (09022015). Collection method: clinical testing. Allele origin: germline.
Comment: In summary, the available evidence is currently insufficient to determine the role of this variant in disease. Therefore, it has been classified as a Variant of Uncertain Significance. Algorithms developed to predict the effect of missense changes on protein structure and function output the following: SIFT: "Tolerated"; PolyPhen-2: "Benign"; Align-GVGD: "Class C0". The threonine amino acid residue is found in multiple mammalian species, suggesting that this missense change does not adversely affect protein function. These predictions have not been confirmed by published functional studies and their clinical significance is uncertain. This sequence change replaces methionine with threonine at codon 104 of the NCF4 protein (p.Met104Thr). The methionine residue is weakly conserved and there is a moderate physicochemical difference between methionine and threonine. This variant is not present in population databases (ExAC no frequency). This variant has not been reported in the literature in individuals with NCF4-related conditions.